The following is an entry in ClinVar:

NM_014141.6(CNTNAP2):c.3263G>T (p.Arg1088Leu)

Gene: CNTNAP2 (contactin associated protein 2; plus strand). Cytogenetic location: 7q36.1.
Variant type: single nucleotide variant.
Coding change: c.3263G>T on transcript NM_014141.6 (MANE Select); coding-DNA position 3263, G replaced by T.
Protein change: p.Arg1088Leu; replaces arginine 1088 with leucine.
Molecular consequence: missense variant.
Genome position (GRCh38, 1-based): chr7:148,229,661, G>T. VCF-style: chr7-148229661-G-T. GRCh37 (hg19) VCF-style: chr7-147926753-G-T.
Other names: p.R1088L:CGA>CTA; short protein forms R1088L.
Identifiers: ClinVar variation 205283 (VCV000205283.6), dbSNP rs201827086, ClinGen allele CA314200.

ClinVar aggregate classification (germline): Uncertain significance. Review status: criteria provided, multiple submitters, no conflicts (2 of 4 stars). 2 submissions from 2 submitters: Uncertain significance (2). Last evaluated 2024-10-22.

Conditions:
Cortical dysplasia-focal epilepsy syndrome (PTHSL1). Also called: Pitt-Hopkins-like syndrome 1. Identifiers: Orphanet 163681, Orphanet 221150, MedGen C2750246, MONDO:0012400, OMIM 610042.

Allele frequency attached by ClinVar (database versions not stated): TOPMed 0.00002.
gnomAD v4.1: 9 of 1,613,902 alleles (0.00056%); highest among the groups gnomAD compares: Admixed American, 0.0083%; no homozygotes.

Submissions (2):

Labcorp Genetics (formerly Invitae), Labcorp
Classification: Uncertain significance for Cortical dysplasia-focal epilepsy syndrome. Last evaluated: 2024-10-22. Review status: criteria provided, single submitter. Criteria: Invitae Variant Classification Sherloc (09022015). Collection method: clinical testing. Allele origin: germline.
Comment: This sequence change replaces arginine, which is basic and polar, with leucine, which is neutral and non-polar, at codon 1088 of the CNTNAP2 protein (p.Arg1088Leu). The frequency data for this variant in the population databases is considered unreliable, as metrics indicate poor data quality at this position in the gnomAD database. This variant has not been reported in the literature in individuals affected with CNTNAP2-related conditions. ClinVar contains an entry for this variant (Variation ID: 205283). An algorithm developed to predict the effect of missense changes on protein structure and function (PolyPhen-2) suggests that this variant is likely to be disruptive. In summary, the available evidence is currently insufficient to determine the role of this variant in disease. Therefore, it has been classified as a Variant of Uncertain Significance.

GeneDx
Classification: Uncertain significance. Last evaluated: 2018-08-21. Review status: criteria provided, single submitter. Criteria: GeneDx Variant Classification (06012015). Collection method: clinical testing. Allele origin: germline. Affected: yes.
Comment: The R1088L variant has not been published as a pathogenic variant, nor has it been reported as a benign variant to our knowledge. It was not observed in approximately 6,500 individuals of European and African American ancestry in the NHLBI Exome Sequencing Project, indicating it is not a common benign variant in these populations. The R1088L variant is a non-conservative amino acid substitution, which is likely to impact secondary protein structure as these residues differ in polarity, charge, size and/or other properties. However, this substitution occurs at a position that is not conserved, and in silico analysis is inconsistent in its predictions as to whether or not the variant is damaging to the protein structure/function. Therefore, based on the currently available information, it is unclear whether this variant is a pathogenic variant or a rare benign variant.